The following is an entry in ClinVar:

ClinVar aggregate classification (germline): Likely benign (1 of 4 stars; one submission).

Allele frequency attached by ClinVar (database versions not stated): gnomAD exomes 0.00009; ExAC 0.00011; 1000 Genomes Project 30x 0.00016; 1000 Genomes Project 0.00020.
gnomAD v4.1: 146 of 1,613,228 alleles (0.0091%); highest among the groups gnomAD compares: Middle Eastern, 0.017%; no homozygotes.

Submission:

CeGaT Center for Human Genetics Tuebingen
Classification: Likely benign. Last evaluated: 2024-06-01. Review status: criteria provided, single submitter. Criteria: CeGaT Center For Human Genetics Tuebingen Variant Classification Criteria Version 2. Collection method: clinical testing. Allele origin: germline. Affected: yes. Observed: 1 variant allele.
Comment: CRIPAK: BP4, BP7

NM_175918.3(CRIPAK):c.1329C>T (p.Leu443=)

Genes: CRIPAK (cysteine rich PAK1 inhibitor; plus strand), UVSSA (UV stimulated scaffold protein A; plus strand), LOC126806945 (P300/CBP strongly-dependent group 1 enhancer GRCh37_chr4:1388225-1389424; plus strand). Cytogenetic location: 4p16.3.
Variant type: single nucleotide variant.
Coding change: c.1329C>T on transcript NM_175918.3; coding-DNA position 1329, C replaced by T.
Protein change: p.Leu443=; no amino-acid change (leucine 443 retained).
Molecular consequence: synonymous variant.
Genome position (GRCh38, 1-based): chr4:1,395,840, C>T. VCF-style: chr4-1395840-C-T. GRCh37 (hg19) VCF-style: chr4-1389628-C-T.
Identifiers: ClinVar variation 3250504 (VCV003250504.18), dbSNP rs146895743.